The following is an entry in ClinVar:

ClinVar aggregate classification (germline): Likely pathogenic. Review status: criteria provided, multiple submitters, no conflicts (2 of 4 stars). 2 submissions from 2 submitters: Likely pathogenic (2). Last evaluated 2024-10-25.

Conditions:
Hemochromatosis type 3 (HFE3). Also called: HEMOCHROMATOSIS DUE TO DEFECT IN TRANSFERRIN RECEPTOR 2; TFR2-Related Hemochromatosis; Hereditary hemochromatosis type 3. Identifiers: Orphanet 225123, MedGen C1858664, MONDO:0011417, OMIM 604250.
Hereditary hemochromatosis (HFE). Identifiers: MedGen C0392514, MONDO:0006507. Disease mechanism: loss of function.

Allele frequency attached by ClinVar (database versions not stated): gnomAD exomes below 0.00001.
gnomAD v4.1: 2 of 1,613,640 alleles (0.00012%); highest among the groups gnomAD compares: Middle Eastern, 0.033%; no homozygotes.

Submissions (2):

Natera, Inc.
Classification: Likely pathogenic for Hereditary hemochromatosis type 3. Last evaluated: 2024-10-25. Review status: criteria provided, single submitter. Criteria: Natera Variant Classification Schema (03/2026). Collection method: clinical testing. Allele origin: germline.
Comment: The c.1473+1G>A variant in TFR2 is a canonical splice donor site variant predicted to affect pre-mRNA splicing, which may result in an abnormal transcript and altered protein product. This variant is expected to result in nonsense mediated decay, truncation, or a dysfunctional protein product. This variant is rare in the general population with a frequency below the threshold expected for the associated phenotype(s). Given the available evidence, this variant is classified as Likely Pathogenic.

Labcorp Genetics (formerly Invitae), Labcorp
Classification: Likely pathogenic for Hereditary hemochromatosis. Last evaluated: 2023-07-12. Review status: criteria provided, single submitter. Criteria: Invitae Variant Classification Sherloc (09022015). Collection method: clinical testing. Allele origin: germline.
Comment: Algorithms developed to predict the effect of sequence changes on RNA splicing suggest that this variant may disrupt the consensus splice site. This sequence change affects a donor splice site in intron 11 of the TFR2 gene. It is expected to disrupt RNA splicing. Variants that disrupt the donor or acceptor splice site typically lead to a loss of protein function (PMID: 16199547), and loss-of-function variants in TFR2 are known to be pathogenic (PMID: 23600741, 26029709). This variant is not present in population databases (gnomAD no frequency). This variant has not been reported in the literature in individuals affected with TFR2-related conditions. In summary, the currently available evidence indicates that the variant is pathogenic, but additional data are needed to prove that conclusively. Therefore, this variant has been classified as Likely Pathogenic.

Literature cited by the submitters: PubMed 16199547 (cited by Labcorp Genetics (formerly Invitae), Labcorp); PubMed 23600741 (cited by Labcorp Genetics (formerly Invitae), Labcorp); PubMed 26029709 (cited by Labcorp Genetics (formerly Invitae), Labcorp).

NM_003227.4(TFR2):c.1473+1G>A

Gene: TFR2 (transferrin receptor 2; minus strand). Cytogenetic location: 7q22.1.
Variant type: single nucleotide variant.
Coding change: c.1473+1G>A on transcript NM_003227.4 (MANE Select); the canonical splice donor site of the intron after coding-DNA position 1473, G replaced by A.
Molecular consequence: splice donor variant.
Genome position (GRCh38, 1-based): chr7:100,628,223, C>T on the plus strand (G>A on the coding strand, the complement: TFR2 is on the minus strand). VCF-style: chr7-100628223-C-T. GRCh37 (hg19) VCF-style: chr7-100225846-C-T.
Other names: c.960+1G>A (NM_001206855.3).
Identifiers: ClinVar variation 2834983 (VCV002834983.4), dbSNP rs2131313564, ClinGen allele CA368527554.
Genomic context (GRCh38, chr7:100,628,223, plus strand): 5'-GGGAACCCCCCACCCCCACCTCTCCCCAATGCCTAACGACCTGCCCGGGACCCCGTATCA[C>T]CTCTAGCCACTCCGTGGAGCCCACGCTTCCAAAGTCACCACCGTCCCAGCTGATGAAGAG-3'